The following is an entry in ClinVar:

NM_000350.3(ABCA4):c.2654-2A>C

Gene: ABCA4 (ATP binding cassette subfamily A member 4; minus strand). Cytogenetic location: 1p22.1.
Variant type: single nucleotide variant.
Coding change: c.2654-2A>C on transcript NM_000350.3 (MANE Select); the canonical splice acceptor site of the intron before coding-DNA position 2654, A replaced by C.
Molecular consequence: splice acceptor variant.
Genome position (GRCh38, 1-based): chr1:94,048,959, T>G on the plus strand (A>C on the coding strand, the complement: ABCA4 is on the minus strand). VCF-style: chr1-94048959-T-G. GRCh37 (hg19) VCF-style: chr1-94514515-T-G.
Identifiers: ClinVar variation 3251963 (VCV003251963.1), dbSNP rs2101059901.

ClinVar aggregate classification (germline): Likely pathogenic (1 of 4 stars; one submission).

Conditions:
Severe early-childhood-onset retinal dystrophy (STGD1). Also called: Stargardt macular dystrophy; Juvenile onset macular degeneration; Stargardt disease 1; MACULAR DYSTROPHY WITH FLECKS, TYPE 1; STGD. Identifiers: Orphanet 364055, Orphanet 827, MedGen C1855465, MeSH D000080362, MONDO:0009549, OMIM 248200.
Cone-rod dystrophy 3 (CORD3). Identifiers: Orphanet 1872, MedGen C1858806, MONDO:0011395, OMIM 604116.
Retinitis pigmentosa 19 (RP19). Also called: ABCA4-Related Retinitis Pigmentosa. Identifiers: Orphanet 791, MedGen C1866422, MONDO:0011137, OMIM 601718.

Submission:

Diagnostics Services (NGS), CSIR - Centre For Cellular And Molecular Biology
Classification: Likely pathogenic for Severe early-childhood-onset retinal dystrophy; Retinitis pigmentosa 19; Cone-rod dystrophy 3. Last evaluated: 2024-03-28. Review status: criteria provided, single submitter. Criteria: ACMG Guidelines, 2015. Collection method: clinical testing. Allele origin: germline. Affected: yes. Observed: 1 variant allele, 1 homozygote.
Comment: The c.2654-2A>C variant is not present in publicly available population databases like 1000 Genomes, EVS, ExAC, gnomAD, Indian Exome Database or our in-house exome database. This variant has neither been published in literature with ABCA4-related conditions nor reported to the clinical databases like Human Genome Mutation Database (HGMD), ClinVar or OMIM, in any affected individuals. Algorithms developed to predict the effect of sequence changes on RNA splicing suggest that this variant can disrupt the consensus splice site. In-silico pathogenicity prediction programs like MutationTaster2, CADD, Varsome, Franklin etc predicted this variant to be likely deleterious, however these predictions were not confirmed by published functional/translational studies.